The following is an entry in ClinVar:

ClinVar aggregate classification (germline): Pathogenic. Review status: criteria provided, multiple submitters, no conflicts (2 of 4 stars). 6 submissions from 6 submitters: Pathogenic (4). 2 of the submissions do not count toward it. Last evaluated 2025-12-16.

Conditions:
GATA2 deficiency with susceptibility to MDS/AML. Identifiers: MedGen CN300066, MONDO:0042982.
Deafness-lymphedema-leukemia syndrome. Also called: Lymphedema, primary, with myelodysplasia; Emberger syndrome. Identifiers: Orphanet 3226, MedGen C3279664, MONDO:0013540, OMIM 614038.
GATA2-related disorder. Also called: GATA2-Related Disorders; GATA2-related condition.
Monocytopenia with susceptibility to infections. Also called: MONOCYTOPENIA AND MYCOBACTERIAL INFECTION SYNDROME; MONOCYTOPENIA WITH SUSCEPTIBILITY TO MYCOBACTERIAL, FUNGAL, AND PAPILLOMAVIRUS INFECTIONS AND MYELODYSPLASIA; COMBINED IMMUNODEFICIENCY WITH SUSCEPTIBILITY TO MYCOBACTERIAL, VIRAL, AND FUNGAL INFECTIONS; GATA2 DEFICIENCY; Dendritic cell, monocyte, B lymphocyte, and natural killer lymphocyte deficiency; IMMUNODEFICIENCY 21. Identifiers: Orphanet 228423, MedGen C3280030, MONDO:0013607, OMIM 614172.

Submissions (6):

Labcorp Genetics (formerly Invitae), Labcorp
Classification: Pathogenic for Monocytopenia with susceptibility to infections; Deafness-lymphedema-leukemia syndrome. Last evaluated: 2025-12-16. Review status: criteria provided, single submitter. Criteria: Invitae Variant Classification Sherloc (09022015). Collection method: clinical testing. Allele origin: germline.
Comment: This sequence change creates a premature translational stop signal (p.Arg337*) in the GATA2 gene. It is expected to result in an absent or disrupted protein product. Loss-of-function variants in GATA2 are known to be pathogenic (PMID: 21670465, 23223431). This variant is not present in population databases (gnomAD no frequency). This premature translational stop signal has been observed in individual(s) with clinical features of GATA2 deficiency (PMID: 21892158, 23502222, 27894982). ClinVar contains an entry for this variant (Variation ID: 29719). For these reasons, this variant has been classified as Pathogenic.

GeneDx
Classification: Pathogenic. Last evaluated: 2023-04-11. Review status: criteria provided, single submitter. Criteria: GeneDx Variant Classification Process June 2021. Collection method: clinical testing. Allele origin: germline. Affected: yes.
Comment: Nonsense variant predicted to result in protein truncation or nonsense mediated decay in a gene for which loss-of-function is a known mechanism of disease; Not observed at significant frequency in large population cohorts (gnomAD); This variant is associated with the following publications: (PMID: 23502222, 33684095, 21892158, 32770553, 34529785, 30538114, 27894982, 35753512)

Oxford Medical Genetics Laboratories, Oxford University Hospitals NHS Foundation Trust
Classification: Pathogenic for Monocytopenia with susceptibility to infections. Last evaluated: 2023-03-23. Review status: criteria provided, single submitter. Criteria: ACMG Guidelines, 2015. Collection method: clinical testing. Allele origin: de novo. Affected: yes.

Molecular Pathology Research Laboratory, SA Pathology
Classification: Pathogenic for GATA2 deficiency with susceptibility to MDS/AML; Deafness-lymphedema-leukemia syndrome. Last evaluated: 2021-07-06. Review status: criteria provided, single submitter. Criteria: ACMG Guidelines, 2015. Collection method: curation. Allele origin: germline. Inheritance: Autosomal dominant inheritance. Affected: yes. Observed: 7 variant alleles. Clinical features observed: Myelodysplasia, Acute Myeloid Leukemia, Immunodeficiency, Lymphedema, Hematological abnormality.
Comment: PVS1, PS4, PM2

PreventionGenetics, part of Exact Sciences
Classification: Pathogenic for GATA2-related condition. Last evaluated: 2024-03-04. Review status: no assertion criteria provided. Collection method: clinical testing. Allele origin: germline. Not counted in ClinVar's aggregate classification.
Comment: The GATA2 c.1009C>T variant is predicted to result in premature protein termination (p.Arg337*). This variant has been reported to be causative for GATA2-related disorders including MonoMAC, and primary lymphedema and predisposition to acute myeloid leukemia (Ostergaard et al. 2011. PubMed ID: 21892158; Hsu et al. 2013. PubMed ID: 23502222). This variant is not present in a large population database and has been interpreted as pathogenic in the ClinVar database. Nonsense variants in GATA2 are expected to be pathogenic. This variant is interpreted as pathogenic.

OMIM
Classification: Pathogenic for LYMPHEDEMA, PRIMARY, WITH MYELODYSPLASIA. Last evaluated: 2011-09-04. Review status: no assertion criteria provided. Collection method: literature only. Allele origin: germline. Not counted in ClinVar's aggregate classification.

Literature cited by the submitters: PubMed 21670465 (cited by Labcorp Genetics (formerly Invitae), Labcorp); PubMed 23223431 (cited by Labcorp Genetics (formerly Invitae), Labcorp); PubMed 21892158 (cited by 3 submitters); PubMed 23502222 (cited by Labcorp Genetics (formerly Invitae), Labcorp and Molecular Pathology Research Laboratory, SA Pathology); PubMed 27894982 (cited by Labcorp Genetics (formerly Invitae), Labcorp and Molecular Pathology Research Laboratory, SA Pathology); PubMed 26702063 (cited by Molecular Pathology Research Laboratory, SA Pathology); PubMed 28747912 (cited by Molecular Pathology Research Laboratory, SA Pathology); PubMed 24077845 (cited by Molecular Pathology Research Laboratory, SA Pathology); PubMed 24227816 (cited by Molecular Pathology Research Laboratory, SA Pathology); PubMed 25359990 (cited by Molecular Pathology Research Laboratory, SA Pathology); PubMed 27416790 (cited by Molecular Pathology Research Laboratory, SA Pathology); PubMed 33684095 (cited by Molecular Pathology Research Laboratory, SA Pathology).

NM_032638.5(GATA2):c.1009C>T (p.Arg337Ter)

Gene: GATA2 (GATA binding protein 2; minus strand). Cytogenetic location: 3q21.3.
Variant type: single nucleotide variant.
Coding change: c.1009C>T on transcript NM_032638.5 (MANE Select); coding-DNA position 1009, C replaced by T.
Protein change: p.Arg337Ter; replaces arginine 337 with a stop codon.
Molecular consequence: nonsense.
Genome position (GRCh38, 1-based): chr3:128,483,868, G>A on the plus strand (C>T on the coding strand, the complement: GATA2 is on the minus strand). VCF-style: chr3-128483868-G-A. GRCh37 (hg19) VCF-style: chr3-128202711-G-A.
Other names: c.1009C>T, p.Arg337Ter (NM_001145661.2, NM_001145662.1); short protein forms R337*.
Identifiers: ClinVar variation 29719 (VCV000029719.35), dbSNP rs387906632, ClinGen allele CA128584.